The following is an entry in ClinVar:

ClinVar aggregate classification (germline): Uncertain significance (1 of 4 stars; one submission).

gnomAD v4.1: 1 of 1,614,124 alleles (0.000062%); highest among the groups gnomAD compares: South Asian, 0.0011%; no homozygotes.

Submission:

GeneDx
Classification: Uncertain significance. Last evaluated: 2019-06-12. Review status: criteria provided, single submitter. Criteria: GeneDx Variant Classification Process June 2021. Collection method: clinical testing. Allele origin: germline. Affected: yes.
Comment: Has not been previously reported as pathogenic or benign to our knowledge; Not observed in large population cohorts (Lek et al., 2016); In silico analysis, which includes protein predictors and evolutionary conservation, supports a deleterious effect

NM_005609.4(PYGM):c.2411G>C (p.Arg804Pro)

Gene: PYGM (glycogen phosphorylase, muscle associated; minus strand). Cytogenetic location: 11q13.1.
Variant type: single nucleotide variant.
Coding change: c.2411G>C on transcript NM_005609.4 (MANE Select); coding-DNA position 2411, G replaced by C.
Protein change: p.Arg804Pro; replaces arginine 804 with proline.
Molecular consequence: missense variant.
Genome position (GRCh38, 1-based): chr11:64,746,777, C>G on the plus strand (G>C on the coding strand, the complement: PYGM is on the minus strand). VCF-style: chr11-64746777-C-G. GRCh37 (hg19) VCF-style: chr11-64514249-C-G.
Other names: c.2147G>C, p.Arg716Pro (NM_001164716.1); short protein forms R716P, R804P.
Identifiers: ClinVar variation 1306482 (VCV001306482.2), dbSNP rs372295369, ClinGen allele CA381163687.